The following is an entry in ClinVar:

ClinVar aggregate classification (germline): Uncertain significance (1 of 4 stars; one submission).

Conditions:
Congenital myasthenic syndrome 9. Also called: Myasthenic syndrome, congenital, 9, associated with acetylcholine receptor deficiency. Identifiers: Orphanet 590, MedGen C4225368, MONDO:0014587, OMIM 616325.
Fetal akinesia deformation sequence 1 (FADS1). Also called: Pena-Shokeir syndrome type I; Fetal akinesia sequence. Identifiers: Orphanet 994, MedGen C1276035, MONDO:0100101, OMIM 208150, HP:0001989.

Allele frequency attached by ClinVar (database versions not stated): gnomAD exomes 0.00003 and 0.00007; ExAC 0.00005; gnomAD 0.00005; TOPMed 0.00005.
gnomAD v4.1: 102 of 1,613,686 alleles (0.0063%); highest among the groups gnomAD compares: Non-Finnish European, 0.0083%; no homozygotes.

Submission:

Labcorp Genetics (formerly Invitae), Labcorp
Classification: Uncertain significance for Congenital myasthenic syndrome 9; Fetal akinesia deformation sequence 1. Last evaluated: 2024-08-31. Review status: criteria provided, single submitter. Criteria: Invitae Variant Classification Sherloc (09022015). Collection method: clinical testing. Allele origin: germline.
Comment: This sequence change replaces asparagine, which is neutral and polar, with serine, which is neutral and polar, at codon 6 of the MUSK protein (p.Asn6Ser). This variant is present in population databases (rs747203404, gnomAD 0.007%). This variant has not been reported in the literature in individuals affected with MUSK-related conditions. ClinVar contains an entry for this variant (Variation ID: 849169). Invitae Evidence Modeling of protein sequence and biophysical properties (such as structural, functional, and spatial information, amino acid conservation, physicochemical variation, residue mobility, and thermodynamic stability) indicates that this missense variant is not expected to disrupt MUSK protein function with a negative predictive value of 95%. In summary, the available evidence is currently insufficient to determine the role of this variant in disease. Therefore, it has been classified as a Variant of Uncertain Significance.

NM_005592.4(MUSK):c.17A>G (p.Asn6Ser)

Gene: MUSK (muscle associated receptor tyrosine kinase; plus strand). Cytogenetic location: 9q31.3.
Variant type: single nucleotide variant.
Coding change: c.17A>G on transcript NM_005592.4 (MANE Select); coding-DNA position 17, A replaced by G.
Protein change: p.Asn6Ser; replaces asparagine 6 with serine.
Molecular consequence: missense variant.
Genome position (GRCh38, 1-based): chr9:110,668,921, A>G. VCF-style: chr9-110668921-A-G. GRCh37 (hg19) VCF-style: chr9-113431201-A-G.
Other names: c.17A>G, p.Asn6Ser (NM_001166280.2, NM_001166281.2); short protein forms N6S.
Identifiers: ClinVar variation 849169 (VCV000849169.8), dbSNP rs747203404, ClinGen allele CA5183892.